The following is an entry in ClinVar:

NM_001034116.2(EIF2B4):c.41C>T (p.Ser14Phe)

Gene: EIF2B4 (eukaryotic translation initiation factor 2B subunit delta; minus strand). Cytogenetic location: 2p23.3.
Variant type: single nucleotide variant.
Coding change: c.41C>T on transcript NM_001034116.2 (MANE Select); coding-DNA position 41, C replaced by T.
Protein change: p.Ser14Phe; replaces serine 14 with phenylalanine.
Molecular consequence: missense variant. On other transcripts: 5 prime UTR variant (4).
Genome position (GRCh38, 1-based): chr2:27,369,910, G>A on the plus strand (C>T on the coding strand, the complement: EIF2B4 is on the minus strand). VCF-style: chr2-27369910-G-A. GRCh37 (hg19) VCF-style: chr2-27592777-G-A.
Other names: c.104C>T, p.Ser35Phe (NM_001318965.2, NM_172195.4); c.-5C>T (NM_001318966.2); c.-46C>T (NM_001318967.2); c.-475C>T (NM_001318968.2); c.-552C>T (NM_001318969.2); c.41C>T, p.Ser14Phe (NM_015636.4); short protein forms S35F, S14F.
Identifiers: ClinVar variation 2018780 (VCV002018780.4), dbSNP rs1682244484, ClinGen allele CA346203901.
Genomic context (GRCh38, chr2:27,369,910, plus strand): 5'-CGGCTTGGGAGGGAAGCCTCACTTACCCCAGGCCCAGGGGGAAGCTCCGCCTTCATCCCG[G>A]ATCCCGAGTCTGCATCAGAAAACAGGGCACAAAGTGAGCCAGAGAGACTCCGGGAGGGTT-3'
Protein context (NP_001029288.1, residues 4-24): VAVAVREDSG[Ser14Phe]GMKAELPPGP

ClinVar aggregate classification (germline): Uncertain significance (1 of 4 stars; one submission).

Submission:

Labcorp Genetics (formerly Invitae), Labcorp
Classification: Uncertain significance. Last evaluated: 2022-07-21. Review status: criteria provided, single submitter. Criteria: Invitae Variant Classification Sherloc (09022015). Collection method: clinical testing. Allele origin: germline.
Comment: In summary, the available evidence is currently insufficient to determine the role of this variant in disease. Therefore, it has been classified as a Variant of Uncertain Significance. Algorithms developed to predict the effect of missense changes on protein structure and function are either unavailable or do not agree on the potential impact of this missense change (SIFT: "Deleterious"; PolyPhen-2: "Probably Damaging"; Align-GVGD: "Class C0"). This missense change has been observed in individual(s) with clinical features of leukodystrophy (PMID: 20016818). This variant is not present in population databases (gnomAD no frequency). This sequence change replaces serine, which is neutral and polar, with phenylalanine, which is neutral and non-polar, at codon 14 of the EIF2B4 protein (p.Ser14Phe).

Literature cited by the submitters: PubMed 20016818.